The following is an entry in ClinVar:

ClinVar aggregate classification (germline): Uncertain significance. Review status: criteria provided, multiple submitters, no conflicts (2 of 4 stars). 2 submissions from 2 submitters: Uncertain significance (2). Last evaluated 2024-03-25.

Conditions:
Inborn genetic diseases. Identifiers: MedGen C0950123, MeSH D030342.

Allele frequency attached by ClinVar (database versions not stated): ExAC 0.00001; gnomAD 0.00002; 1000 Genomes Project 0.00020; 1000 Genomes Project 30x 0.00031.
gnomAD v4.1: 5 of 1,614,184 alleles (0.00031%); highest among the groups gnomAD compares: African/African-American, 0.0067%; no homozygotes.

Submissions (2):

Ambry Genetics
Classification: Uncertain significance for Inborn genetic diseases. Last evaluated: 2024-03-25. Review status: criteria provided, single submitter. Criteria: Ambry Variant Classification Scheme 2023. Collection method: clinical testing. Allele origin: germline.

Labcorp Genetics (formerly Invitae), Labcorp
Classification: Uncertain significance. Last evaluated: 2024-02-23. Review status: criteria provided, single submitter. Criteria: Invitae Variant Classification Sherloc (09022015). Collection method: clinical testing. Allele origin: germline.
Comment: This sequence change replaces arginine, which is basic and polar, with threonine, which is neutral and polar, at codon 571 of the CAD protein (p.Arg571Thr). This variant is present in population databases (rs529037185, gnomAD 0.007%). This variant has not been reported in the literature in individuals affected with CAD-related conditions. ClinVar contains an entry for this variant (Variation ID: 1956818). Advanced modeling of protein sequence and biophysical properties (such as structural, functional, and spatial information, amino acid conservation, physicochemical variation, residue mobility, and thermodynamic stability) performed at Invitae indicates that this missense variant is not expected to disrupt CAD protein function with a negative predictive value of 80%. In summary, the available evidence is currently insufficient to determine the role of this variant in disease. Therefore, it has been classified as a Variant of Uncertain Significance.

NM_004341.5(CAD):c.1712G>C (p.Arg571Thr)

Gene: CAD (carbamoyl-phosphate synthetase 2, aspartate transcarbamylase, and dihydroorotase; plus strand). Cytogenetic location: 2p23.3.
Variant type: single nucleotide variant.
Coding change: c.1712G>C on transcript NM_004341.5 (MANE Select); coding-DNA position 1712, G replaced by C.
Protein change: p.Arg571Thr; replaces arginine 571 with threonine.
Molecular consequence: missense variant.
Genome position (GRCh38, 1-based): chr2:27,225,796, G>C. VCF-style: chr2-27225796-G-C. GRCh37 (hg19) VCF-style: chr2-27448664-G-C.
Other names: c.1712G>C, p.Arg571Thr (NM_001306079.2); c.1712G>C (NM_004341.3); short protein forms R571T.
Identifiers: ClinVar variation 1956818 (VCV001956818.5), dbSNP rs529037185, ClinGen allele CA1572807.
Genomic context (GRCh38, chr2:27,225,796, plus strand): 5'-CTGTGCTAGTGCGTGCAGCCTTTGCCCTGGGTGGCCTGGGCTCTGGCTTTGCCTCTAACA[G>C]GGAGGAGCTCTCTGCTCTCGTGGCCCCAGCTTTTGCCCATACCAGCCAAGTGCTAGTAGA-3'
Protein context (NP_004332.2, residues 561-581): GGLGSGFASN[Arg571Thr]EELSALVAPA